The following is an entry in ClinVar:

NM_005208.5(CRYBA1):c.326G>A (p.Arg109His)

Gene: CRYBA1 (crystallin beta A1; plus strand). Cytogenetic location: 17q11.2.
Variant type: single nucleotide variant.
Coding change: c.326G>A on transcript NM_005208.5 (MANE Select); coding-DNA position 326, G replaced by A.
Protein change: p.Arg109His; replaces arginine 109 with histidine.
Molecular consequence: missense variant.
Genome position (GRCh38, 1-based): chr17:29,252,174, G>A. VCF-style: chr17-29252174-G-A. GRCh37 (hg19) VCF-style: chr17-27579192-G-A.
Other names: short protein forms R109H.
Identifiers: ClinVar variation 4234573 (VCV004234573.2).

ClinVar aggregate classification (germline): Uncertain significance. Review status: criteria provided, multiple submitters, no conflicts (2 of 4 stars). 2 submissions from 2 submitters: Uncertain significance (2). Last evaluated 2025-12-16.

Conditions:
Cataract 10 multiple types. Also called: CATARACT 10, CONGENITAL ZONULAR, WITH SUTURAL OPACITIES. Identifiers: Orphanet 91492, MedGen C1833229, MONDO:0010948, OMIM 600881.
Inborn genetic diseases. Identifiers: MedGen C0950123, MeSH D030342.

gnomAD v4.1: 142 of 1,614,140 alleles (0.0088%); highest among the groups gnomAD compares: Admixed American, 0.043%; no homozygotes.

Submissions (2):

Labcorp Genetics (formerly Invitae), Labcorp
Classification: Uncertain significance for Cataract 10 multiple types. Last evaluated: 2025-12-16. Review status: criteria provided, single submitter. Criteria: Invitae Variant Classification Sherloc (09022015). Collection method: clinical testing. Allele origin: germline.
Comment: This sequence change replaces arginine, which is basic and polar, with histidine, which is basic and polar, at codon 109 of the CRYBA1 protein (p.Arg109His). This variant is present in population databases (rs563828775, gnomAD 0.05%), and has an allele count higher than expected for a pathogenic variant. This variant has not been reported in the literature in individuals affected with CRYBA1-related conditions. ClinVar contains an entry for this variant (Variation ID: 4234573). An algorithm developed to predict the effect of missense changes on protein structure and function (PolyPhen-2) suggests that this variant is likely to be disruptive. In summary, the available evidence is currently insufficient to determine the role of this variant in disease. Therefore, it has been classified as a Variant of Uncertain Significance.

Ambry Genetics
Classification: Uncertain significance for Inborn genetic diseases. Last evaluated: 2025-08-12. Review status: criteria provided, single submitter. Criteria: Ambry Variant Classification Scheme 2023. Collection method: clinical testing. Allele origin: germline.